The following is an entry in ClinVar:

NM_001144967.3(NEDD4L):c.2242G>A (p.Asp748Asn)

Gene: NEDD4L (NEDD4 like E3 ubiquitin protein ligase; plus strand). Cytogenetic location: 18q21.31.
Variant type: single nucleotide variant.
Coding change: c.2242G>A on transcript NM_001144967.3 (MANE Select); coding-DNA position 2242, G replaced by A.
Protein change: p.Asp748Asn; replaces aspartic acid 748 with asparagine.
Molecular consequence: missense variant.
Genome position (GRCh38, 1-based): chr18:58,370,453, G>A. VCF-style: chr18-58370453-G-A. GRCh37 (hg19) VCF-style: chr18-56037685-G-A.
Other names: c.1879G>A, p.Asp627Asn (NM_001144964.1, NM_001144965.2, NM_001144966.3); c.2218G>A, p.Asp740Asn (NM_001144968.2); c.2158G>A, p.Asp720Asn (NM_001144969.2); c.1819G>A, p.Asp607Asn (NM_001144970.3, NM_001144971.2); c.2050G>A, p.Asp684Asn (NM_001243960.2); c.2182G>A, p.Asp728Asn (NM_015277.6); short protein forms D684N, D720N, D607N, D627N, D740N, D728N, D748N.
Identifiers: ClinVar variation 1487182 (VCV001487182.8), dbSNP rs2146249585, ClinGen allele CA402551296.

ClinVar aggregate classification (germline): Uncertain significance (1 of 4 stars; one submission).

Submission:

Labcorp Genetics (formerly Invitae), Labcorp
Classification: Uncertain significance. Last evaluated: 2020-11-21. Review status: criteria provided, single submitter. Criteria: Invitae Variant Classification Sherloc (09022015). Collection method: clinical testing. Allele origin: germline.
Comment: In summary, the available evidence is currently insufficient to determine the role of this variant in disease. Therefore, it has been classified as a Variant of Uncertain Significance. Algorithms developed to predict the effect of missense changes on protein structure and function are either unavailable or do not agree on the potential impact of this missense change (SIFT: "Deleterious"; PolyPhen-2: "Probably Damaging"; Align-GVGD: "Class C15"). This variant has not been reported in the literature in individuals with NEDD4L-related conditions. This variant is not present in population databases (ExAC no frequency). This sequence change replaces aspartic acid with asparagine at codon 728 of the NEDD4L protein (p.Asp728Asn). The aspartic acid residue is highly conserved and there is a small physicochemical difference between aspartic acid and asparagine.